The following is an entry in ClinVar:

ClinVar aggregate classification (germline): Uncertain significance (1 of 4 stars; one submission).

Conditions:
Benign neonatal seizures. Also called: Benign familial neonatal seizures; Convulsions benign familial neonatal dominant form; Autosomal dominant form of benign neonatal seizures; Benign familial neonatal epilepsy; Benign neonatal familial convulsions. Identifiers: Orphanet 1949, MedGen C0220669, MONDO:0016027.

Submission:

Labcorp Genetics (formerly Invitae), Labcorp
Classification: Uncertain significance for Benign neonatal seizures. Last evaluated: 2021-03-10. Review status: criteria provided, single submitter. Criteria: Invitae Variant Classification Sherloc (09022015). Collection method: clinical testing. Allele origin: germline.
Comment: This sequence change replaces arginine with glycine at codon 500 of the KCNQ3 protein (p.Arg500Gly). The arginine residue is moderately conserved and there is a moderate physicochemical difference between arginine and glycine. This variant is not present in population databases (ExAC no frequency). This variant has not been reported in the literature in individuals with KCNQ3-related conditions. Algorithms developed to predict the effect of missense changes on protein structure and function are either unavailable or do not agree on the potential impact of this missense change (SIFT: "Tolerated"; PolyPhen-2: "Possibly Damaging"; Align-GVGD: "Class C0"). In summary, the available evidence is currently insufficient to determine the role of this variant in disease. Therefore, it has been classified as a Variant of Uncertain Significance.

NM_004519.4(KCNQ3):c.1498A>G (p.Arg500Gly)

Gene: KCNQ3 (potassium voltage-gated channel subfamily Q member 3; minus strand). Cytogenetic location: 8q24.22.
Variant type: single nucleotide variant.
Coding change: c.1498A>G on transcript NM_004519.4 (MANE Select); coding-DNA position 1498, A replaced by G.
Protein change: p.Arg500Gly; replaces arginine 500 with glycine.
Molecular consequence: missense variant.
Genome position (GRCh38, 1-based): chr8:132,140,146, T>C on the plus strand (A>G on the coding strand, the complement: KCNQ3 is on the minus strand). VCF-style: chr8-132140146-T-C. GRCh37 (hg19) VCF-style: chr8-133152393-T-C.
Other names: c.1138A>G, p.Arg380Gly (NM_001204824.2); short protein forms R380G, R500G.
Identifiers: ClinVar variation 1515512 (VCV001515512.8), dbSNP rs2130942431, ClinGen allele CA372219707.